The following is an entry in ClinVar:

ClinVar aggregate classification (germline): Conflicting classifications of pathogenicity. Review status: criteria provided, conflicting classifications (1 of 4 stars). 5 submissions from 5 submitters: Uncertain significance (1); Benign (2); Likely benign (2). Last evaluated 2024-11-20.

Allele frequency attached by ClinVar (database versions not stated): 1000 Genomes Project 30x 0.00031; 1000 Genomes Project 0.00040; TOPMed 0.00104; ESP Exome Variant Server 0.00108; gnomAD exomes 0.00109 and 0.00148; ExAC 0.00123; gnomAD 0.00123 and 0.00124.
gnomAD v4.1: 2,326 of 1,614,262 alleles (0.14%); highest among the groups gnomAD compares: Non-Finnish European, 0.18%; 5 homozygotes.

Submissions (5):

Blueprint Genetics
Classification: Likely benign. Last evaluated: 2024-11-20. Review status: criteria provided, single submitter. Criteria: ACMG Guidelines, 2015. Collection method: clinical testing. Allele origin: germline.

CeGaT Center for Human Genetics Tuebingen
Classification: Benign. Last evaluated: 2024-08-01. Review status: criteria provided, single submitter. Criteria: CeGaT Center For Human Genetics Tuebingen Variant Classification Criteria Version 2. Collection method: clinical testing. Allele origin: germline. Affected: yes. Observed: 5 variant alleles.
Comment: MYH8: BS1, BS2

Labcorp Genetics (formerly Invitae), Labcorp
Classification: Likely benign. Last evaluated: 2019-12-31. Review status: criteria provided, single submitter. Criteria: Invitae Variant Classification Sherloc (09022015). Collection method: clinical testing. Allele origin: germline.

Eurofins Ntd Llc (ga)
Classification: Uncertain significance. Last evaluated: 2017-03-23. Review status: criteria provided, single submitter. Criteria: EGL Classification Definitions 2015. Collection method: clinical testing. Allele origin: germline. Observed: 2 variant alleles, 2 heterozygotes.

Genetic Services Laboratory, University of Chicago
Classification: Benign. Last evaluated: 2017-02-21. Review status: criteria provided, single submitter. Criteria: ACMG Guidelines, 2015. Collection method: clinical testing. Allele origin: germline. Affected: no.

NM_002472.3(MYH8):c.1209C>A (p.Cys403Ter)

Genes: MYH8 (myosin heavy chain 8; minus strand), MYHAS (myosin heavy chain gene cluster antisense RNA; plus strand). Cytogenetic location: 17p13.1.
Variant type: single nucleotide variant.
Coding change: c.1209C>A on transcript NM_002472.3 (MANE Select); coding-DNA position 1209, C replaced by A.
Protein change: p.Cys403Ter; replaces cysteine 403 with a stop codon.
Molecular consequence: nonsense.
Genome position (GRCh38, 1-based): chr17:10,412,667, G>T on the plus strand (C>A on the coding strand, the complement: MYH8 is on the minus strand). VCF-style: chr17-10412667-G-T. GRCh37 (hg19) VCF-style: chr17-10315984-G-T.
Other names: short protein forms C403*.
Identifiers: ClinVar variation 129669 (VCV000129669.41), dbSNP rs144321381, ClinGen allele CA153812.